The following is an entry in ClinVar:

NM_144573.4(NEXN):c.1422G>A (p.Arg474=)

Gene: NEXN (nexilin F-actin binding protein; plus strand). Cytogenetic location: 1p31.1.
Variant type: single nucleotide variant.
Coding change: c.1422G>A on transcript NM_144573.4 (MANE Select); coding-DNA position 1422, G replaced by A.
Protein change: p.Arg474=; no amino-acid change (arginine 474 retained).
Molecular consequence: synonymous variant.
Genome position (GRCh38, 1-based): chr1:77,935,993, G>A. VCF-style: chr1-77935993-G-A. GRCh37 (hg19) VCF-style: chr1-78401678-G-A.
Other names: c.1230G>A, p.Arg410= (NM_001172309.2).
Identifiers: ClinVar variation 470677 (VCV000470677.11), dbSNP rs775204901, ClinGen allele CA918876.
Genomic context (GRCh38, chr1:77,935,993, plus strand): 5'-AATTGGACAGTTGTCTGAAAAAGAAATACAGAAAAAAATAGAAGAAGAGCGAGCAAGAAG[G>A]AGAGCAATTGACCTTGAAATTAAAGAGCGAGAAGCTGAAAATTTTCATGAGGTATATTAC-3'
Protein context (NP_653174.3, residues 464-484): QKKIEEERAR[Arg474=]RAIDLEIKER

ClinVar aggregate classification (germline): Benign/Likely benign. Review status: criteria provided, multiple submitters, no conflicts (2 of 4 stars). 3 submissions from 3 submitters: Benign (1); Likely benign (2). Last evaluated 2026-09-21.

Conditions:
Hypertrophic cardiomyopathy 20. Identifiers: MedGen C3151267, MONDO:0013477, OMIM 613876.
Dilated cardiomyopathy 1CC (CMD1CC). Identifiers: Orphanet 154, MedGen C2751084, MONDO:0013147, OMIM 613122.
Cardiomyopathy (CMYO). Also called: Cardiomyopathies. Identifiers: Orphanet 167848, MedGen C0878544, MONDO:0004994, HP:0001638. Inheritance: Various modes of inheritance.

Allele frequency attached by ClinVar (database versions not stated): gnomAD exomes 0.00001 and 0.00006; ExAC 0.00001; TOPMed 0.00003.
gnomAD v4.1: 21 of 1,613,900 alleles (0.0013%); highest among the groups gnomAD compares: East Asian, 0.047%; no homozygotes.

Submissions (3):

Molecular Diagnostic Laboratory for Inherited Cardiovascular Disease, Montreal Heart Institute
Classification: Likely benign. Last evaluated: 2026-09-21. Review status: criteria provided, single submitter. Criteria: ACMG Guidelines, 2015. Collection method: clinical testing. Allele origin: germline. Affected: no.
Comment: BS1;BP7

Labcorp Genetics (formerly Invitae), Labcorp
Classification: Likely benign for Dilated cardiomyopathy 1CC; Hypertrophic cardiomyopathy 20. Last evaluated: 2025-08-25. Review status: criteria provided, single submitter. Criteria: Invitae Variant Classification Sherloc (09022015). Collection method: clinical testing. Allele origin: germline.

CHEO Genetics Diagnostic Laboratory, Children's Hospital of Eastern Ontario
Classification: Benign for Cardiomyopathy. Last evaluated: 2018-03-27. Review status: criteria provided, single submitter. Criteria: ACMG Guidelines, 2015. Collection method: clinical testing. Allele origin: germline.